The following is an entry in ClinVar:

ClinVar aggregate classification (germline): Conflicting classifications of pathogenicity. Review status: criteria provided, conflicting classifications (1 of 4 stars). 5 submissions from 5 submitters: Uncertain significance (2); Benign (1); Likely benign (1). 1 of the submissions does not count toward it. Last evaluated 2025-08-04.

Conditions:
COL5A1-related disorder. Also called: COL5A1-related condition.
Ehlers-Danlos syndrome, classic type, 1 (EDSCL1). Also called: Ehlers-Danlos Syndrome, Classic Type, COL5A1-Related; EDS I; Ehlers-Danlos syndrome, type 1; EHLERS-DANLOS SYNDROME, GRAVIS TYPE; EHLERS-DANLOS SYNDROME, SEVERE CLASSIC TYPE. Identifiers: MedGen C0268335, MONDO:0019567, OMIM 130000.
Familial thoracic aortic aneurysm and aortic dissection (TAAD). Also called: Thoracic aortic aneurysms and dissections. Identifiers: Orphanet 91387, MedGen C4707243, MONDO:0019625.

Allele frequency attached by ClinVar (database versions not stated): gnomAD 0.00016 and 0.00013; gnomAD exomes 0.00004 and 0.00003; TOPMed 0.00022; ESP Exome Variant Server 0.00023; ExAC 0.00004.
gnomAD v4.1: 86 of 1,613,698 alleles (0.0053%); highest among the groups gnomAD compares: African/African-American, 0.063%; no homozygotes.

Submissions (5):

Labcorp Genetics (formerly Invitae), Labcorp
Classification: Benign for Ehlers-Danlos syndrome, classic type, 1. Last evaluated: 2025-08-04. Review status: criteria provided, single submitter. Criteria: Invitae Variant Classification Sherloc (09022015). Collection method: clinical testing. Allele origin: germline.

Women's Health and Genetics/Laboratory Corporation of America, LabCorp
Classification: Likely benign. Last evaluated: 2025-04-14. Review status: criteria provided, single submitter. Criteria: LabCorp Variant Classification Summary - May 2015. Collection method: clinical testing. Allele origin: germline.

GeneDx
Classification: Uncertain significance. Last evaluated: 2024-02-29. Review status: criteria provided, single submitter. Criteria: GeneDx Variant Classification Process June 2021. Collection method: clinical testing. Allele origin: germline. Affected: yes.
Comment: Has not been previously published as pathogenic or benign to our knowledge; In silico analysis supports that this missense variant does not alter protein structure/function; Occurs in the triple helical domain at the Y position in the canonical Gly-X-Y repeat; although this variant may have an effect on normal protein folding and function, missense substitution at the Y position is not a common mechanism of disease (PMID: 22696272; HGMD); This variant is associated with the following publications: (PMID: 22696272)

Ambry Genetics
Classification: Uncertain significance for Familial thoracic aortic aneurysm and aortic dissection. Last evaluated: 2021-08-06. Review status: criteria provided, single submitter. Criteria: Ambry Variant Classification Scheme 2023. Collection method: clinical testing. Allele origin: germline.
Comment: The p.A1044T variant (also known as c.3130G>A), located in coding exon 40 of the COL5A1 gene, results from a G to A substitution at nucleotide position 3130. The alanine at codon 1044 is replaced by threonine, an amino acid with similar properties. This amino acid position is well conserved in available vertebrate species; however, threonine is the reference amino acid in other vertebrate species. In addition, this alteration is predicted to be tolerated by in silico analysis. Since supporting evidence is limited at this time, the clinical significance of this alteration remains unclear.

PreventionGenetics, part of Exact Sciences
Classification: Likely benign for COL5A1-related condition. Last evaluated: 2023-01-31. Review status: no assertion criteria provided. Collection method: clinical testing. Allele origin: germline. Not counted in ClinVar's aggregate classification.
Comment: This variant is classified as likely benign based on ACMG/AMP sequence variant interpretation guidelines (Richards et al. 2015 PMID: 25741868, with internal and published modifications).

NM_000093.5(COL5A1):c.3130G>A (p.Ala1044Thr)

Gene: COL5A1 (collagen type V alpha 1 chain; plus strand). Cytogenetic location: 9q34.3.
Variant type: single nucleotide variant.
Coding change: c.3130G>A on transcript NM_000093.5 (MANE Select); coding-DNA position 3130, G replaced by A.
Protein change: p.Ala1044Thr; replaces alanine 1044 with threonine.
Molecular consequence: missense variant.
Genome position (GRCh38, 1-based): chr9:134,804,990, G>A. VCF-style: chr9-134804990-G-A. GRCh37 (hg19) VCF-style: chr9-137696836-G-A.
Other names: c.3130G>A, p.Ala1044Thr (NM_001278074.1); short protein forms A1044T.
Identifiers: ClinVar variation 566208 (VCV000566208.20), dbSNP rs370143255, ClinGen allele CA5319779.
Genomic context (GRCh38, chr9:134,804,990, plus strand): 5'-TGCGTCACTGGCTCCAGGAAAGCTCATCTCTGACTCTGTTTTCAGGGTGACCCAGGCCCT[G>A]CAGGCCTCCCTGGGAAAGATGGCCCTCCAGGATTACGTGGTTTCCCTGGGGACCGAGGGC-3'
Protein context (NP_000084.3, residues 1034-1054): KEGTKGDPGP[Ala1044Thr]GLPGKDGPPG